The following is an entry in ClinVar:

NM_181507.2(HPS5):c.3298G>A (p.Asp1100Asn)

Gene: HPS5 (HPS5 biogenesis of lysosomal organelles complex 2 subunit 2; minus strand). Cytogenetic location: 11p15.1.
Variant type: single nucleotide variant.
Coding change: c.3298G>A on transcript NM_181507.2 (MANE Select); coding-DNA position 3298, G replaced by A.
Protein change: p.Asp1100Asn; replaces aspartic acid 1100 with asparagine.
Molecular consequence: missense variant.
Genome position (GRCh38, 1-based): chr11:18,281,981, C>T on the plus strand (G>A on the coding strand, the complement: HPS5 is on the minus strand). VCF-style: chr11-18281981-C-T. GRCh37 (hg19) VCF-style: chr11-18303528-C-T.
Other names: c.2956G>A, p.Asp986Asn (NM_007216.4, NM_181508.2); short protein forms D1100N, D986N.
Identifiers: ClinVar variation 1060214 (VCV001060214.8), dbSNP rs200281681, ClinGen allele CA5909605.
Genomic context (GRCh38, chr11:18,281,981, plus strand): 5'-ATGCAGAGGGTAGGACAAACTGATATTACCTCTGCCTTTTCTCAGCAATCCTCAGGATAT[C>T]GCAGGTTCTGGTAAACTTCTCTGACAACTCAAGGGCCAGACCACATTCCTGTAGCAGTGA-3'
Protein context (NP_852608.1, residues 1090-1110): ELSEKFTRTC[Asp1100Asn]ILRIAEKRQR

ClinVar aggregate classification (germline): Uncertain significance. Review status: criteria provided, multiple submitters, no conflicts (2 of 4 stars). 3 submissions from 3 submitters: Uncertain significance (3). Last evaluated 2025-02-20.

Conditions:
Inborn genetic diseases. Identifiers: MedGen C0950123, MeSH D030342.

Allele frequency attached by ClinVar (database versions not stated): ExAC 0.00001; gnomAD exomes 0.00001 and 0.00002; gnomAD 0.00004; TOPMed 0.00007; 1000 Genomes Project 0.00020; 1000 Genomes Project 30x 0.00031.
gnomAD v4.1: 27 of 1,614,184 alleles (0.0017%); highest among the groups gnomAD compares: East Asian, 0.0067%; no homozygotes.

Submissions (3):

Ambry Genetics
Classification: Uncertain significance for Inborn genetic diseases. Last evaluated: 2025-02-20. Review status: criteria provided, single submitter. Criteria: Ambry Variant Classification Scheme 2023. Collection method: clinical testing. Allele origin: germline.

Blueprint Genetics
Classification: Uncertain significance. Last evaluated: 2023-11-14. Review status: criteria provided, single submitter. Criteria: ACMG Guidelines, 2015. Collection method: clinical testing. Allele origin: germline.

Labcorp Genetics (formerly Invitae), Labcorp
Classification: Uncertain significance. Last evaluated: 2022-06-19. Review status: criteria provided, single submitter. Criteria: Invitae Variant Classification Sherloc (09022015). Collection method: clinical testing. Allele origin: germline.
Comment: This sequence change replaces aspartic acid, which is acidic and polar, with asparagine, which is neutral and polar, at codon 1100 of the HPS5 protein (p.Asp1100Asn). This variant is present in population databases (rs200281681, gnomAD 0.01%). This variant has not been reported in the literature in individuals affected with HPS5-related conditions. ClinVar contains an entry for this variant (Variation ID: 1060214). Algorithms developed to predict the effect of missense changes on protein structure and function output the following: SIFT: "Deleterious"; PolyPhen-2: "Benign"; Align-GVGD: "Class C0". The asparagine amino acid residue is found in multiple mammalian species, which suggests that this missense change does not adversely affect protein function. In summary, the available evidence is currently insufficient to determine the role of this variant in disease. Therefore, it has been classified as a Variant of Uncertain Significance.